The following is an entry in ClinVar:

ClinVar aggregate classification (germline): Benign/Likely benign; association. Review status: criteria provided, multiple submitters, no conflicts (2 of 4 stars). 17 submissions from 17 submitters: Benign (8); Likely benign (4). 4 of the submissions do not count toward it. Last evaluated 2026-03-05.

Conditions:
Sitosterolemia 1. Identifiers: MedGen C2749759, MONDO:0020747, OMIM 210250.
Sitosterolemia 2. Identifiers: MedGen C5231453, MONDO:0020748, OMIM 618666.
Cardiovascular phenotype. Identifiers: MedGen CN230736.
Sitosterolemia (STSL). Also called: PHYTOSTEROLEMIA. Identifiers: Orphanet 2882, MedGen C0342907, MONDO:0008863.
Gallbladder disease 4 (GBD4). Identifiers: MedGen C1969115, MONDO:1010151, OMIM 611465.
Gallstones. Identifiers: MedGen C0242216, MONDO:0005346.
ABCG8-related disorder. Also called: ABCG8-related condition.

Allele frequency attached by ClinVar (database versions not stated): ExAC 0.05616; 1000 Genomes Project 0.06050; 1000 Genomes Project 30x 0.06090; gnomAD 0.06463 and 0.06566; TOPMed 0.06635.
gnomAD v4.1: 99,280 of 1,551,174 alleles (6.4%); highest among the groups gnomAD compares: Admixed American, 8.7%; 3,397 homozygotes.

Submissions (17):

Department of Cardiology, Mackay Memorial Hospital
Classification: Likely benign for Sitosterolemia. Last evaluated: 2026-03-05. Review status: criteria provided, single submitter. Criteria: ACMG Guidelines, 2015. Collection method: clinical testing. Allele origin: germline. Affected: yes.
Comment: The ABCG8 NM_022437.3.55G>C (p.Asp19His) (Accession: VCV000004975.33) variant is a missense alteration located in exon 1 that replaces aspartic acid with histidine at codon 19 near the N-terminus of the protein. Available evidence does not provide convincing support for a deleterious effect on ABCG8 function or for an association with ABCG8-related disease. Although clinical and functional data remain limited, the absence of compelling pathogenic evidence favors a non-disease-causing interpretation. Taken together, the current evidence supports classification of NM_022437.3.55G>C (p.Asp19His) as likely benign.

Labcorp Genetics (formerly Invitae), Labcorp
Classification: association. Last evaluated: 2026-02-03. Review status: criteria provided, single submitter. Criteria: Invitae Variant Classification Sherloc (09022015). Collection method: clinical testing. Allele origin: germline.
Comment: This sequence change replaces aspartic acid, which is acidic and polar, with histidine, which is basic and polar, at codon 19 of the ABCG8 protein (p.Asp19His). This variant is present in population databases (rs11887534, gnomAD 10%), including at least one homozygous and/or hemizygous individual. Population-based case-control studies have shown that this variant is associated with reduced serum phytosterol levels and confers susceptibility to gallstone disease (PMID: 11893785, 17632509, 21039838, 21274884, 22898925). In a large meta-analysis with 4,381 cases and 3,765 controls (PMID: 22898925), individuals carrying this variant had an increased overall risk of gallstone disease (2.07, 95% CI: 1.65-2.60). ClinVar contains an entry for this variant (Variation ID: 4975). An algorithm developed to predict the effect of missense changes on protein structure and function (PolyPhen-2) suggests that this variant is likely to be disruptive. Experimental studies have shown that this missense causes a gain of ABCG8 protein function in vitro, contrary to the loss of ABCG8 protein function associated with sitosterolemia (PMID: 22898925). In summary, this is a common variant that is associated with an increased risk for developing disease. For these reasons, this variant has been classified as an Increased Risk Allele.

Mayo Clinic Laboratories, Mayo Clinic
Classification: Likely benign. Last evaluated: 2025-10-07. Review status: criteria provided, single submitter. Criteria: ACMG Guidelines, 2015. Collection method: clinical testing. Allele origin: germline. Observed: 441 variant alleles.

Molecular Diagnostic Laboratory for Inherited Cardiovascular Disease, Montreal Heart Institute
Classification: Benign. Last evaluated: 2025-04-09. Review status: criteria provided, single submitter. Criteria: ACMG Guidelines, 2015. Collection method: clinical testing. Allele origin: germline. Affected: no.

Blueprint Genetics
Classification: Benign. Last evaluated: 2024-11-26. Review status: criteria provided, single submitter. Criteria: ACMG Guidelines, 2015. Collection method: clinical testing. Allele origin: germline.

Women's Health and Genetics/Laboratory Corporation of America, LabCorp
Classification: Likely benign. Last evaluated: 2023-07-17. Review status: criteria provided, single submitter. Criteria: LabCorp Variant Classification Summary - May 2015. Collection method: clinical testing. Allele origin: germline.

Fulgent Genetics
Classification: Likely benign for Sitosterolemia 2. Last evaluated: 2021-09-01. Review status: criteria provided, single submitter. Criteria: ACMG Guidelines, 2015. Collection method: clinical testing. Allele origin: unknown.

Mendelics
Classification: Benign for Sitosterolemia 1. Last evaluated: 2019-05-28. Review status: criteria provided, single submitter. Criteria: Mendelics Assertion Criteria 2017. Collection method: clinical testing. Allele origin: unknown.

Ambry Genetics
Classification: Benign for Cardiovascular phenotype. Last evaluated: 2018-12-03. Review status: criteria provided, single submitter. Criteria: Ambry Variant Classification Scheme 2023. Collection method: clinical testing. Allele origin: germline.

GeneDx
Classification: Benign. Last evaluated: 2018-07-05. Review status: criteria provided, single submitter. Criteria: GeneDx Variant Classification Process June 2021. Collection method: clinical testing. Allele origin: germline. Affected: yes.
Comment: This variant is associated with the following publications: (PMID: 29764733, 31327807, 30975109, 30036524, 11893785, 17632509, 20581104, 21039838, 22898925, 20163776, 20592455, 22675952, 20170916)

Illumina Laboratory Services, Illumina
Classification: Benign for Sitosterolemia 1. Last evaluated: 2018-03-06. Review status: criteria provided, single submitter. Criteria: ICSL Variant Classification Criteria 13 December 2019. Collection method: clinical testing. Allele origin: germline.
Comment: This variant was observed in the ICSL laboratory as part of a predisposition screen in an ostensibly healthy population. It had not been previously curated by ICSL or reported in the Human Gene Mutation Database (HGMD: prior to June 1st, 2018), and was therefore a candidate for classification through an automated scoring system. Utilizing variant allele frequency, disease prevalence and penetrance estimates, and inheritance mode, an automated score was calculated to assess if this variant is too frequent to cause the disease. Based on the score and internal cut-off values, a variant classified as benign is not then subjected to further curation. The score for this variant resulted in a classification of benign for this disease.

Eurofins Ntd Llc (ga)
Classification: Benign. Last evaluated: 2016-03-16. Review status: criteria provided, single submitter. Criteria: EGL Classification Definitions 2015. Collection method: clinical testing. Allele origin: germline. Observed: 2 variant alleles, 1 heterozygote.

Breakthrough Genomics
Classification: Benign. Review status: criteria provided, single submitter. Criteria: ACMG Guidelines, 2015. Collection method: not provided. Allele origin: germline. Inheritance: Autosomal recessive inheritance. Affected: yes.

PreventionGenetics, part of Exact Sciences
Classification: Benign for ABCG8-related condition. Last evaluated: 2023-11-15. Review status: no assertion criteria provided. Collection method: clinical testing. Allele origin: germline. Not counted in ClinVar's aggregate classification.
Comment: This variant is classified as benign based on ACMG/AMP sequence variant interpretation guidelines (Richards et al. 2015 PMID: 25741868, with internal and published modifications).

OMIM
Classification: Pathogenic for GALLBLADDER DISEASE 4. Last evaluated: 2007-08-01. Review status: no assertion criteria provided. Collection method: literature only. Allele origin: germline. Not counted in ClinVar's aggregate classification.

Clinical Genetics, Academic Medical Center
Classification: Benign. Review status: no assertion criteria provided. Collection method: clinical testing. Allele origin: germline. Affected: yes. Study: VKGL Data-share Consensus. Not counted in ClinVar's aggregate classification.

Genome Diagnostics Laboratory, University Medical Center Utrecht
Classification: Benign. Review status: no assertion criteria provided. Collection method: clinical testing. Allele origin: germline. Affected: yes. Study: VKGL Data-share Consensus. Not counted in ClinVar's aggregate classification.

Literature cited by the submitters: PubMed 29764733 (cited by Department of Cardiology, Mackay Memorial Hospital); PubMed 31327807 (cited by Department of Cardiology, Mackay Memorial Hospital); PubMed 30975109 (cited by Department of Cardiology, Mackay Memorial Hospital); PubMed 30036524 (cited by Department of Cardiology, Mackay Memorial Hospital); PubMed 11893785 (cited by Department of Cardiology, Mackay Memorial Hospital and Labcorp Genetics (formerly Invitae), Labcorp); PubMed 17632509 (cited by 3 submitters); PubMed 20581104 (cited by Department of Cardiology, Mackay Memorial Hospital); PubMed 21039838 (cited by Department of Cardiology, Mackay Memorial Hospital and Labcorp Genetics (formerly Invitae), Labcorp); PubMed 22898925 (cited by Department of Cardiology, Mackay Memorial Hospital and Labcorp Genetics (formerly Invitae), Labcorp); PubMed 20163776 (cited by Department of Cardiology, Mackay Memorial Hospital); PubMed 20592455 (cited by Department of Cardiology, Mackay Memorial Hospital); PubMed 22675952 (cited by Department of Cardiology, Mackay Memorial Hospital); PubMed 20170916 (cited by Department of Cardiology, Mackay Memorial Hospital); PubMed 21274884 (cited by Labcorp Genetics (formerly Invitae), Labcorp).

NM_022437.3(ABCG8):c.55G>C (p.Asp19His)

Genes: ABCG5 (ATP binding cassette subfamily G member 5; minus strand), ABCG8 (ATP binding cassette subfamily G member 8; plus strand). Cytogenetic location: 2p21.
Variant type: single nucleotide variant.
Coding change: c.55G>C on transcript NM_022437.3 (MANE Select); coding-DNA position 55, G replaced by C.
Protein change: p.Asp19His; replaces aspartic acid 19 with histidine.
Molecular consequence: missense variant. On other transcripts: genic upstream transcript variant (1).
Genome position (GRCh38, 1-based): chr2:43,839,108, G>C. VCF-style: chr2-43839108-G-C. GRCh37 (hg19) VCF-style: chr2-44066247-G-C.
Other names: c.55G>C, p.Asp19His (NM_001357321.2); c.-429C>G (NM_022436.3); short protein forms D19H.
Identifiers: ClinVar variation 4975 (VCV000004975.35), dbSNP rs11887534, ClinGen allele CA117156.